The following is an entry in ClinVar:

NM_006944.3(SPP2):c.439G>A (p.Glu147Lys)

Gene: SPP2 (secreted phosphoprotein 2; plus strand). Cytogenetic location: 2q37.1.
Variant type: single nucleotide variant.
Coding change: c.439G>A on transcript NM_006944.3 (MANE Select); coding-DNA position 439, G replaced by A.
Protein change: p.Glu147Lys; replaces glutamic acid 147 with lysine.
Molecular consequence: missense variant.
Genome position (GRCh38, 1-based): chr2:234,060,474, G>A. VCF-style: chr2-234060474-G-A. GRCh37 (hg19) VCF-style: chr2-234969118-G-A.
Other names: short protein forms E147K.
Identifiers: ClinVar variation 1433449 (VCV001433449.6), dbSNP rs541421017, ClinGen allele CA351103425.

ClinVar aggregate classification (germline): Uncertain significance (1 of 4 stars; one submission).

Allele frequency attached by ClinVar (database versions not stated): gnomAD 0.00001.
gnomAD v4.1: 9 of 1,612,808 alleles (0.00056%); highest among the groups gnomAD compares: South Asian, 0.0055%; 1 homozygote.

Submission:

Labcorp Genetics (formerly Invitae), Labcorp
Classification: Uncertain significance. Last evaluated: 2021-08-16. Review status: criteria provided, single submitter. Criteria: Invitae Variant Classification Sherloc (09022015). Collection method: clinical testing. Allele origin: germline.
Comment: This sequence change replaces glutamic acid with lysine at codon 147 of the SPP2 protein (p.Glu147Lys). The glutamic acid residue is highly conserved and there is a small physicochemical difference between glutamic acid and lysine. This variant is not present in population databases (ExAC no frequency). This variant has not been reported in the literature in individuals affected with SPP2-related conditions. Algorithms developed to predict the effect of missense changes on protein structure and function (SIFT, PolyPhen-2, Align-GVGD) all suggest that this variant is likely to be disruptive. In summary, the available evidence is currently insufficient to determine the role of this variant in disease. Therefore, it has been classified as a Variant of Uncertain Significance.